The following is an entry in ClinVar:

NM_213655.5(WNK1):c.2360G>C (p.Arg787Pro)

Gene: WNK1 (WNK lysine deficient protein kinase 1; plus strand). Cytogenetic location: 12p13.33.
Variant type: single nucleotide variant.
Coding change: c.2360G>C on transcript NM_213655.5 (MANE Plus Clinical); coding-DNA position 2360, G replaced by C.
Protein change: p.Arg787Pro; replaces arginine 787 with proline.
Molecular consequence: missense variant. On other transcripts: intron variant (3).
Genome position (GRCh38, 1-based): chr12:865,330, G>C. VCF-style: chr12-865330-G-C. GRCh37 (hg19) VCF-style: chr12-974496-G-C.
Other names: c.2140-2536G>C (NM_001184985.2); c.2139+3060G>C (NM_018979.4, NM_014823.3); short protein forms R787P.
Identifiers: ClinVar variation 1014109 (VCV001014109.8), dbSNP rs550716144, ClinGen allele CA383337882.

ClinVar aggregate classification (germline): Uncertain significance (1 of 4 stars; one submission).

Conditions:
Pseudohypoaldosteronism type 2C (PHA2C). Also called: Pseudohypoaldosteronism Type IIC. Identifiers: Orphanet 757, Orphanet 88940, MedGen C1840391, MONDO:0013778, OMIM 614492.
Neuropathy, hereditary sensory and autonomic, type 2A (HSAN2A). Also called: ACROOSTEOLYSIS, GIACCAI TYPE; ACROOSTEOLYSIS, NEUROGENIC; MORVAN DISEASE; NEUROPATHY, CONGENITAL SENSORY; NEUROPATHY, HEREDITARY SENSORY RADICULAR, AUTOSOMAL RECESSIVE; NEUROPATHY, HEREDITARY SENSORY, TYPE IIA. Identifiers: Orphanet 970, MedGen C2752089, MONDO:0024309, OMIM 201300.

gnomAD v4.1: 3 of 1,536,104 alleles (0.0002%); highest among the groups gnomAD compares: East Asian, 0.0049%; no homozygotes.

Submission:

Labcorp Genetics (formerly Invitae), Labcorp
Classification: Uncertain significance for Neuropathy, hereditary sensory and autonomic, type 2A; Pseudohypoaldosteronism type 2C. Last evaluated: 2020-10-16. Review status: criteria provided, single submitter. Criteria: Invitae Variant Classification Sherloc (09022015). Collection method: clinical testing. Allele origin: germline.
Comment: In summary, the available evidence is currently insufficient to determine the role of this variant in disease. Therefore, it has been classified as a Variant of Uncertain Significance. Advanced modeling of protein sequence and biophysical properties (such as structural, functional, and spatial information, amino acid conservation, physicochemical variation, residue mobility, and thermodynamic stability) performed at Invitae indicates that this missense variant is not expected to disrupt WNK1 protein function. This variant has not been reported in the literature in individuals with WNK1-related conditions. The frequency data for this variant in the population databases is considered unreliable, as metrics indicate insufficient coverage at this position in the ExAC database. This sequence change replaces arginine with proline at codon 787 of the WNK1 protein (p.Arg787Pro). The arginine residue is weakly conserved and there is a moderate physicochemical difference between arginine and proline.